The following is an entry in ClinVar:

ClinVar aggregate classification (germline): Uncertain significance. Review status: criteria provided, multiple submitters, no conflicts (2 of 4 stars). 2 submissions from 2 submitters: Uncertain significance (2). Last evaluated 2025-03-07.

Conditions:
Inborn genetic diseases. Identifiers: MedGen C0950123, MeSH D030342.

gnomAD v4.1: 5 of 1,550,478 alleles (0.00032%); highest among the groups gnomAD compares: Non-Finnish European, 0.00026%; no homozygotes.

Submissions (2):

Labcorp Genetics (formerly Invitae), Labcorp
Classification: Uncertain significance. Last evaluated: 2025-03-07. Review status: criteria provided, single submitter. Criteria: Invitae Variant Classification Sherloc (09022015). Collection method: clinical testing. Allele origin: germline.
Comment: This sequence change replaces aspartic acid, which is acidic and polar, with asparagine, which is neutral and polar, at codon 1275 of the PIEZO1 protein (p.Asp1275Asn). This variant is not present in population databases (gnomAD no frequency). This variant has not been reported in the literature in individuals affected with PIEZO1-related conditions. Invitae Evidence Modeling of protein sequence and biophysical properties (such as structural, functional, and spatial information, amino acid conservation, physicochemical variation, residue mobility, and thermodynamic stability) indicates that this missense variant is not expected to disrupt PIEZO1 protein function with a negative predictive value of 80%. In summary, the available evidence is currently insufficient to determine the role of this variant in disease. Therefore, it has been classified as a Variant of Uncertain Significance.

Ambry Genetics
Classification: Uncertain significance for Inborn genetic diseases. Last evaluated: 2025-01-24. Review status: criteria provided, single submitter. Criteria: Ambry Variant Classification Scheme 2023. Collection method: clinical testing. Allele origin: germline.

NM_001142864.4(PIEZO1):c.3823G>A (p.Asp1275Asn)

Gene: PIEZO1 (piezo type mechanosensitive ion channel component 1 (Er blood group); minus strand). Cytogenetic location: 16q24.3.
Variant type: single nucleotide variant.
Coding change: c.3823G>A on transcript NM_001142864.4 (MANE Select); coding-DNA position 3823, G replaced by A.
Protein change: p.Asp1275Asn; replaces aspartic acid 1275 with asparagine.
Molecular consequence: missense variant.
Genome position (GRCh38, 1-based): chr16:88,726,429, C>T on the plus strand (G>A on the coding strand, the complement: PIEZO1 is on the minus strand). VCF-style: chr16-88726429-C-T. GRCh37 (hg19) VCF-style: chr16-88792837-C-T.
Other names: short protein forms D1275N.
Identifiers: ClinVar variation 3888698 (VCV003888698.2).